The following is an entry in ClinVar:

NM_014425.5(INVS):c.3079C>T (p.Arg1027Cys)

Gene: INVS (inversin; plus strand). Cytogenetic location: 9q31.1.
Variant type: single nucleotide variant.
Coding change: c.3079C>T on transcript NM_014425.5 (MANE Select); coding-DNA position 3079, C replaced by T.
Protein change: p.Arg1027Cys; replaces arginine 1027 with cysteine.
Molecular consequence: missense variant. On other transcripts: non-coding transcript variant (1).
Genome position (GRCh38, 1-based): chr9:100,297,998, C>T. VCF-style: chr9-100297998-C-T. GRCh37 (hg19) VCF-style: chr9-103060280-C-T.
Other names: c.2791C>T, p.Arg931Cys (NM_001318381.2); c.2101C>T, p.Arg701Cys (NM_001318382.2); short protein forms R1027C, R701C, R931C.
Identifiers: ClinVar variation 501699 (VCV000501699.9), dbSNP rs771248759, ClinGen allele CA5158778.

ClinVar aggregate classification (germline): Uncertain significance. Review status: criteria provided, multiple submitters, no conflicts (2 of 4 stars). 3 submissions from 3 submitters: Uncertain significance (3). Last evaluated 2022-06-18.

Conditions:
Infantile nephronophthisis (NPHP2). Also called: Nephronophthisis 2; Nephronophthisis 2, infantile. Identifiers: Orphanet 655, Orphanet 93591, MedGen C1865872, MONDO:0011190, OMIM 602088.
Nephronophthisis. Also called: Juvenile Nephronophthisis. Identifiers: Orphanet 655, MedGen C0687120, MONDO:0019005, HP:0000090.

Allele frequency attached by ClinVar (database versions not stated): gnomAD exomes 0.00001 and 0.00002; TOPMed 0.00001; ExAC 0.00002.
gnomAD v4.1: 18 of 1,614,082 alleles (0.0011%); highest among the groups gnomAD compares: South Asian, 0.0077%; no homozygotes.

Submissions (3):

Labcorp Genetics (formerly Invitae), Labcorp
Classification: Uncertain significance for Nephronophthisis. Last evaluated: 2022-06-18. Review status: criteria provided, single submitter. Criteria: Invitae Variant Classification Sherloc (09022015). Collection method: clinical testing. Allele origin: germline.
Comment: This sequence change replaces arginine, which is basic and polar, with cysteine, which is neutral and slightly polar, at codon 1027 of the INVS protein (p.Arg1027Cys). This variant is present in population databases (rs771248759, gnomAD 0.02%). This variant has not been reported in the literature in individuals affected with INVS-related conditions. ClinVar contains an entry for this variant (Variation ID: 501699). Algorithms developed to predict the effect of missense changes on protein structure and function output the following: SIFT: "Deleterious"; PolyPhen-2: "Benign"; Align-GVGD: "Class C0". The cysteine amino acid residue is found in multiple mammalian species, which suggests that this missense change does not adversely affect protein function. In summary, the available evidence is currently insufficient to determine the role of this variant in disease. Therefore, it has been classified as a Variant of Uncertain Significance.

Fulgent Genetics
Classification: Uncertain significance for Infantile nephronophthisis. Last evaluated: 2022-01-14. Review status: criteria provided, single submitter. Criteria: ACMG Guidelines, 2015. Collection method: clinical testing. Allele origin: unknown.

Eurofins Ntd Llc (ga)
Classification: Uncertain significance. Last evaluated: 2017-05-02. Review status: criteria provided, single submitter. Criteria: EGL Classification Definitions 2015. Collection method: clinical testing. Allele origin: germline. Observed: 1 variant allele, 1 heterozygote.